The following is an entry in ClinVar:

ClinVar aggregate classification (germline): Uncertain significance (1 of 4 stars; one submission).

Submission:

Dasa
Classification: Uncertain significance. Last evaluated: 2026-04-27. Review status: criteria provided, single submitter. Criteria: DASA Assertion Criteria. Collection method: clinical testing. Allele origin: germline.
Comment: NM_139318.5(KCNH5):c.951C>G (p.Ser317Arg) is a missense variant that results in the substitution of serine with arginine. The affected residue or protein region has prior evidence supporting clinical relevance. This variant is absent from population databases. Computational prediction algorithms are consistent with a deleterious effect. The currently available literature and clinical evidence are not sufficient to establish a definitive association between this variant and the reported condition. Therefore, this variant is classified as a variant of uncertain significance.

NM_139318.5(KCNH5):c.951C>G (p.Ser317Arg)

Gene: KCNH5 (potassium voltage-gated channel subfamily H member 5; minus strand). Cytogenetic location: 14q23.2.
Variant type: single nucleotide variant.
Coding change: c.951C>G on transcript NM_139318.5 (MANE Select); coding-DNA position 951, C replaced by G.
Protein change: p.Ser317Arg; replaces serine 317 with arginine.
Molecular consequence: missense variant.
Genome position (GRCh38, 1-based): chr14:62,950,551, G>C on the plus strand (C>G on the coding strand, the complement: KCNH5 is on the minus strand). VCF-style: chr14-62950551-G-C. GRCh37 (hg19) VCF-style: chr14-63417269-G-C.
Other names: c.951C>G, p.Ser317Arg (NM_172375.3); short protein forms S317R.
Identifiers: ClinVar variation 4882959 (VCV004882959.2).